The following is an entry in ClinVar:

ClinVar aggregate classification (germline): Conflicting classifications of pathogenicity. Review status: criteria provided, conflicting classifications (1 of 4 stars). 3 submissions from 3 submitters: Uncertain significance (2); Likely benign (1). Last evaluated 2026-07-07.

Conditions:
Hypertrophic cardiomyopathy 26. Also called: Cardiomyopathy, familial hypertrophic, 26. Identifiers: Orphanet 75249, MedGen C4310749, MONDO:0014883, OMIM 617047.
Myofibrillar myopathy 5. Also called: Filaminopathy (type); FILAMINOPATHY, AUTOSOMAL DOMINANT. Identifiers: Orphanet 171445, MedGen C1836050, MONDO:0012289, OMIM 609524.
Distal myopathy with posterior leg and anterior hand involvement. Also called: WILLIAMS DISTAL MYOPATHY. Identifiers: Orphanet 63273, MedGen C3279722, MONDO:0013550, OMIM 614065.
Cardiovascular phenotype. Identifiers: MedGen CN230736.

gnomAD v4.1: 9 of 1,586,894 alleles (0.00057%); highest among the groups gnomAD compares: Middle Eastern, 0.033%; no homozygotes.

Submissions (3):

Ambry Genetics
Classification: Uncertain significance for Cardiovascular phenotype. Last evaluated: 2026-07-07. Review status: criteria provided, single submitter. Criteria: Ambry Variant Classification Scheme 2023. Collection method: clinical testing. Allele origin: germline.
Comment: The p.P1739Q variant (also known as c.5216C>A), located in coding exon 31 of the FLNC gene, results from a C to A substitution at nucleotide position 5216. The proline at codon 1739 is replaced by glutamine, an amino acid with similar properties. This amino acid position is conserved. In addition, this alteration is predicted to be tolerated by in silico analysis. Based on the available evidence, the clinical significance of this variant remains unclear.

CeGaT Center for Human Genetics Tuebingen
Classification: Likely benign. Last evaluated: 2024-10-01. Review status: criteria provided, single submitter. Criteria: CeGaT Center For Human Genetics Tuebingen Variant Classification Criteria Version 2. Collection method: clinical testing. Allele origin: germline. Affected: yes. Observed: 3 variant alleles.
Comment: FLNC: BP4

Labcorp Genetics (formerly Invitae), Labcorp
Classification: Uncertain significance for Distal myopathy with posterior leg and anterior hand involvement; Myofibrillar myopathy 5; Hypertrophic cardiomyopathy 26. Last evaluated: 2024-05-22. Review status: criteria provided, single submitter. Criteria: Invitae Variant Classification Sherloc (09022015). Collection method: clinical testing. Allele origin: germline.
Comment: This sequence change replaces proline, which is neutral and non-polar, with glutamine, which is neutral and polar, at codon 1739 of the FLNC protein (p.Pro1739Gln). The frequency data for this variant in the population databases is considered unreliable, as metrics indicate poor data quality at this position in the gnomAD database. This variant has not been reported in the literature in individuals affected with FLNC-related conditions. ClinVar contains an entry for this variant (Variation ID: 648422). An algorithm developed to predict the effect of missense changes on protein structure and function (PolyPhen-2) suggests that this variant is likely to be tolerated. In summary, the available evidence is currently insufficient to determine the role of this variant in disease. Therefore, it has been classified as a Variant of Uncertain Significance.

NM_001458.5(FLNC):c.5216C>A (p.Pro1739Gln)

Gene: FLNC (filamin C; plus strand). Cytogenetic location: 7q32.1.
Variant type: single nucleotide variant.
Coding change: c.5216C>A on transcript NM_001458.5 (MANE Select); coding-DNA position 5216, C replaced by A.
Protein change: p.Pro1739Gln; replaces proline 1739 with glutamine.
Molecular consequence: missense variant. On other transcripts: intron variant (1).
Genome position (GRCh38, 1-based): chr7:128,849,992, C>A. VCF-style: chr7-128849992-C-A. GRCh37 (hg19) VCF-style: chr7-128490046-C-A.
Other names: c.5200-392C>A (NM_001127487.2); short protein forms P1739Q.
Identifiers: ClinVar variation 648422 (VCV000648422.32), dbSNP rs745650222, ClinGen allele CA166186139.
Genomic context (GRCh38, chr7:128,849,992, plus strand): 5'-TGTGAGGCTGCCACACCCTGTGCCCCCGTGCCTTGCCTCCCCAGGCGTGTGACCCCCTGC[C>A]GCACGAGGAGGAGCCCTCTGAAGTGCCACAGCTGCGCCAGCCCTACGCTCCTCCCCGGCC-3'
Protein context (NP_001449.3, residues 1729-1749): PFHVLACDPL[Pro1739Gln]HEEEPSEVPQ